The following is an entry in ClinVar:

ClinVar aggregate classification (germline): Benign/Likely benign. Review status: criteria provided, multiple submitters, no conflicts (2 of 4 stars). 8 submissions from 8 submitters: Benign (1); Likely benign (7). Last evaluated 2025-12-23.

Conditions:
Lynch syndrome 5 (LYNCH5). Also called: Colorectal cancer, hereditary nonpolyposis, type 5; Hereditary non-polyposis colorectal cancer, type 5. Identifiers: Orphanet 144, MedGen C1833477, MONDO:0013710, OMIM 614350. Disease mechanism: loss of function.
Endometrial carcinoma. Also called: Endometrial carcinoma, somatic. Identifiers: MedGen C0476089, MONDO:0002447, OMIM 608089, HP:0012114.
Mismatch repair cancer syndrome 3. Identifiers: MedGen C5436807, MONDO:0030841, OMIM 619097.
Hereditary nonpolyposis colorectal neoplasms. Identifiers: MedGen C0009405, MeSH D003123.
Hereditary cancer-predisposing syndrome. Also called: Neoplastic Syndromes, Hereditary; Hereditary Cancer Syndrome; Tumor predisposition; Hereditary neoplastic syndrome. Identifiers: Orphanet 140162, MedGen C0027672, MeSH D009386, MONDO:0015356.

Allele frequency attached by ClinVar (database versions not stated): TOPMed below 0.00001; gnomAD 0.00001 and 0.00004; gnomAD exomes 0.00001; ExAC 0.00002; 1000 Genomes Project 30x 0.00016; 1000 Genomes Project 0.00020.
gnomAD v4.1: 20 of 1,614,024 alleles (0.0012%); highest among the groups gnomAD compares: South Asian, 0.021%; no homozygotes.

Submissions (8):

Labcorp Genetics (formerly Invitae), Labcorp
Classification: Likely benign for Hereditary nonpolyposis colorectal neoplasms. Last evaluated: 2025-12-23. Review status: criteria provided, single submitter. Criteria: Invitae Variant Classification Sherloc (09022015). Collection method: clinical testing. Allele origin: germline.

Myriad Genetics, Inc.
Classification: Benign for Lynch syndrome 5. Last evaluated: 2025-01-03. Review status: criteria provided, single submitter. Criteria: Myriad Autosomal Dominant, Autosomal Recessive and X-Linked Classification Criteria (2023). Collection method: clinical testing. Allele origin: unknown.
Comment: This variant is considered benign. This variant is a silent/synonymous amino acid change and it is not expected to impact splicing.

Department of Pathology and Laboratory Medicine, Sinai Health System
Classification: Likely benign for Endometrial carcinoma; Lynch syndrome 5; Mismatch repair cancer syndrome 3. Last evaluated: 2024-03-21. Review status: criteria provided, single submitter. Criteria: ACMG Guidelines, 2015. Collection method: clinical testing. Allele origin: germline. Affected: no.

KCCC/NGS Laboratory, Kuwait Cancer Control Center
Classification: Likely benign for Lynch syndrome 5. Last evaluated: 2023-07-07. Review status: criteria provided, single submitter. Criteria: ACMG Guidelines, 2015. Collection method: clinical testing. Allele origin: germline. Affected: yes.

Blueprint Genetics
Classification: Likely benign. Last evaluated: 2019-09-03. Review status: criteria provided, single submitter. Criteria: ACMG Guidelines, 2015. Collection method: clinical testing. Allele origin: germline.

Color Diagnostics, LLC DBA Color Health
Classification: Likely benign for Hereditary cancer-predisposing syndrome. Last evaluated: 2018-11-20. Review status: criteria provided, single submitter. Criteria: ACMG Guidelines, 2015. Collection method: clinical testing. Allele origin: germline.

PreventionGenetics, part of Exact Sciences
Classification: Likely benign. Last evaluated: 2017-07-06. Review status: criteria provided, single submitter. Criteria: ACMG Guidelines, 2015. Collection method: clinical testing. Allele origin: germline.

Ambry Genetics
Classification: Likely benign for Hereditary cancer-predisposing syndrome. Last evaluated: 2015-03-25. Review status: criteria provided, single submitter. Criteria: Ambry Variant Classification Scheme 2023. Collection method: clinical testing. Allele origin: germline.

NM_000179.3(MSH6):c.2850C>T (p.Ser950=)

Gene: MSH6 (mutS homolog 6; plus strand). Cytogenetic location: 2p16.3.
Variant type: single nucleotide variant.
Coding change: c.2850C>T on transcript NM_000179.3 (MANE Select); coding-DNA position 2850, C replaced by T.
Protein change: p.Ser950=; no amino-acid change (serine 950 retained).
Molecular consequence: synonymous variant.
Genome position (GRCh38, 1-based): chr2:47,800,833, C>T. VCF-style: chr2-47800833-C-T. GRCh37 (hg19) VCF-style: chr2-48027972-C-T.
Other names: c.2460C>T, p.Ser820= (NM_001281492.2); c.1944C>T, p.Ser648= (NM_001281493.2, NM_001281494.2).
Identifiers: ClinVar variation 231129 (VCV000231129.23), dbSNP rs571394629, ClinGen allele CA069691.